The following is an entry in ClinVar:

NC_012920.1(MT-TH):m.12173T>C

Gene: MT-TH (mitochondrially encoded tRNA histidine; plus strand).
Variant type: single nucleotide variant.
Genome position: chrM-12173-T-C.
Identifiers: ClinVar variation 690143 (VCV000690143.1), dbSNP rs1556424075, ClinGen allele CA913169582.

ClinVar aggregate classification (germline): Benign (1 of 4 stars; one submission).

Conditions:
MELAS syndrome (MELAS). Also called: Juvenile myopathy, encephalopathy, lactic acidosis, stroke. Identifiers: Orphanet 550, MedGen C0162671, MONDO:0010789, OMIM 540000.

Submission:

Wong Mito Lab, Molecular and Human Genetics, Baylor College of Medicine
Classification: Benign for MELAS syndrome. Last evaluated: 2019-07-12. Review status: criteria provided, single submitter. Criteria: Modified ACMG Guidelines (Unpublished). Collection method: clinical testing. Allele origin: germline.
Comment: The NC_012920.1:m.12173T>C variant in MT-TH gene is interpreted to be a Benign variant based on the modified ACMG guidelines (unpublished). This variant meets the following evidence codes reported in the guidelines: BS1, BS2, BP4, BP6

Literature cited by the submitters: PubMed 31965079.